The following is an entry in ClinVar:

ClinVar aggregate classification (germline): Conflicting classifications of pathogenicity. Review status: criteria provided, conflicting classifications (1 of 4 stars). 3 submissions from 3 submitters: Uncertain significance (1); Likely benign (1). 1 of the submissions does not count toward it. Last evaluated 2025-10-07.

Conditions:
DNHD1-related disorder. Also called: DNHD1-related condition.

Allele frequency attached by ClinVar (database versions not stated): gnomAD exomes 0.00034; gnomAD 0.00002; TOPMed 0.00016; ExAC 0.00023.
gnomAD v4.1: 90 of 1,595,728 alleles (0.0056%); highest among the groups gnomAD compares: Admixed American, 0.14%; no homozygotes.

Submissions (3):

Ambry Genetics
Classification: Uncertain significance. Last evaluated: 2025-10-07. Review status: criteria provided, single submitter. Criteria: Ambry Variant Classification Scheme 2023. Collection method: clinical testing. Allele origin: germline.

Labcorp Genetics (formerly Invitae), Labcorp
Classification: Likely benign. Last evaluated: 2018-10-10. Review status: criteria provided, single submitter. Criteria: Invitae Variant Classification Sherloc (09022015). Collection method: clinical testing. Allele origin: germline.

PreventionGenetics, part of Exact Sciences
Classification: Likely benign for DNHD1-related condition. Last evaluated: 2022-12-01. Review status: no assertion criteria provided. Collection method: clinical testing. Allele origin: germline. Not counted in ClinVar's aggregate classification.
Comment: This variant is classified as likely benign based on ACMG/AMP sequence variant interpretation guidelines (Richards et al. 2015 PMID: 25741868, with internal and published modifications).

NM_144666.3(DNHD1):c.13582C>T (p.Leu4528Phe)

Gene: DNHD1 (dynein heavy chain domain 1; plus strand). Cytogenetic location: 11p15.4.
Variant type: single nucleotide variant.
Coding change: c.13582C>T on transcript NM_144666.3 (MANE Select); coding-DNA position 13582, C replaced by T.
Protein change: p.Leu4528Phe; replaces leucine 4528 with phenylalanine.
Molecular consequence: missense variant.
Genome position (GRCh38, 1-based): chr11:6,571,094, C>T. VCF-style: chr11-6571094-C-T. GRCh37 (hg19) VCF-style: chr11-6592324-C-T.
Other names: short protein forms L4528F.
Identifiers: ClinVar variation 737498 (VCV000737498.7), dbSNP rs761155698, ClinGen allele CA5857177.